The following is an entry in ClinVar:

NM_003242.6(TGFBR2):c.1271A>C (p.Tyr424Ser)

Gene: TGFBR2 (transforming growth factor beta receptor 2; plus strand). Cytogenetic location: 3p24.1.
Variant type: single nucleotide variant.
Coding change: c.1271A>C on transcript NM_003242.6 (MANE Select); coding-DNA position 1271, A replaced by C.
Protein change: p.Tyr424Ser; replaces tyrosine 424 with serine.
Molecular consequence: missense variant. On other transcripts: intron variant (1).
Genome position (GRCh38, 1-based): chr3:30,674,121, A>C. VCF-style: chr3-30674121-A-C. GRCh37 (hg19) VCF-style: chr3-30715613-A-C.
Other names: c.1346A>C, p.Tyr449Ser (NM_001024847.3); c.1454A>C, p.Tyr485Ser (NM_001407126.1); c.1379A>C, p.Tyr460Ser (NM_001407127.1); c.1298A>C, p.Tyr433Ser (NM_001407128.1); c.1274A>C, p.Tyr425Ser (NM_001407129.1); c.1271A>C, p.Tyr424Ser (NM_001407130.1); c.1166A>C, p.Tyr389Ser (NM_001407132.1, NM_001407133.1, NM_001407134.1 and 2 more transcripts); c.986A>C, p.Tyr329Ser (NM_001407137.1); and 2 more; short protein forms Y304S, Y329S, Y389S, Y424S, Y425S, Y433S, Y449S, Y460S.
Identifiers: ClinVar variation 4820014 (VCV004820014.1).

ClinVar aggregate classification (germline): Likely pathogenic (1 of 4 stars; one submission).

Conditions:
Familial thoracic aortic aneurysm and aortic dissection (TAAD). Also called: Thoracic aortic aneurysms and dissections. Identifiers: Orphanet 91387, MedGen C4707243, MONDO:0019625.

Submission:

Centre of Medical Genetics, University of Antwerp
Classification: Likely pathogenic for Familial thoracic aortic aneurysm and aortic dissection. Last evaluated: 2024-09-06. Review status: criteria provided, single submitter. Criteria: ACMG Guidelines, 2015. Collection method: clinical testing. Allele origin: germline. Affected: yes.
Comment: LP(PM1-2, 5; PP3)